The following is an entry in ClinVar:

ClinVar aggregate classification (germline): Uncertain significance. Review status: criteria provided, multiple submitters, no conflicts (2 of 4 stars). 2 submissions from 2 submitters: Uncertain significance (2). Last evaluated 2025-09-28.

Conditions:
Inborn genetic diseases. Identifiers: MedGen C0950123, MeSH D030342.
Primary ciliary dyskinesia 30. Also called: CILIARY DYSKINESIA, PRIMARY, 30, WITH OR WITHOUT SITUS INVERSUS. Identifiers: Orphanet 244, MedGen C4015016, MONDO:0014465, OMIM 616037.

Allele frequency attached by ClinVar (database versions not stated): gnomAD 0.00001; TOPMed 0.00005; gnomAD exomes 0.00003; ExAC 0.00004.
gnomAD v4.1: 44 of 1,603,786 alleles (0.0027%); highest among the groups gnomAD compares: Non-Finnish European, 0.00034%; no homozygotes.

Submissions (2):

Ambry Genetics
Classification: Uncertain significance for Inborn genetic diseases. Last evaluated: 2025-09-28. Review status: criteria provided, single submitter. Criteria: Ambry Variant Classification Scheme 2023. Collection method: clinical testing. Allele origin: germline.

Labcorp Genetics (formerly Invitae), Labcorp
Classification: Uncertain significance for Primary ciliary dyskinesia 30. Last evaluated: 2022-03-26. Review status: criteria provided, single submitter. Criteria: Invitae Variant Classification Sherloc (09022015). Collection method: clinical testing. Allele origin: germline.
Comment: This sequence change replaces arginine, which is basic and polar, with glutamine, which is neutral and polar, at codon 377 of the CCDC151 protein (p.Arg377Gln). This variant is present in population databases (rs765092775, gnomAD 0.1%). This variant has not been reported in the literature in individuals affected with CCDC151-related conditions. Algorithms developed to predict the effect of missense changes on protein structure and function are either unavailable or do not agree on the potential impact of this missense change (SIFT: "Deleterious"; PolyPhen-2: "Probably Damaging"; Align-GVGD: "Class C0"). In summary, the available evidence is currently insufficient to determine the role of this variant in disease. Therefore, it has been classified as a Variant of Uncertain Significance.

NM_145045.5(ODAD3):c.1130G>A (p.Arg377Gln)

Gene: ODAD3 (outer dynein arm docking complex subunit 3; minus strand). Cytogenetic location: 19p13.2.
Variant type: single nucleotide variant.
Coding change: c.1130G>A on transcript NM_145045.5 (MANE Select); coding-DNA position 1130, G replaced by A.
Protein change: p.Arg377Gln; replaces arginine 377 with glutamine.
Molecular consequence: missense variant.
Genome position (GRCh38, 1-based): chr19:11,422,848, C>T on the plus strand (G>A on the coding strand, the complement: ODAD3 is on the minus strand). VCF-style: chr19-11422848-C-T. GRCh37 (hg19) VCF-style: chr19-11533516-C-T.
Other names: c.968G>A, p.Arg323Gln (NM_001302453.1); c.950G>A, p.Arg317Gln (NM_001302454.2); c.1130G>A (NM_145045.4); short protein forms R317Q, R323Q, R377Q.
Identifiers: ClinVar variation 2165559 (VCV002165559.2), dbSNP rs765092775, ClinGen allele CA9212102.